The following is an entry in ClinVar:

ClinVar aggregate classification (germline): Uncertain significance. Review status: criteria provided, multiple submitters, no conflicts (2 of 4 stars). 2 submissions from 2 submitters: Uncertain significance (2). Last evaluated 2023-04-26.

Conditions:
Autosomal dominant hypocalcemia 1 (HYPOC1). Also called: HYPOCALCEMIA, FAMILIAL. Identifiers: MedGen C3715128, MONDO:0011013, OMIM 601198.
Familial hypocalciuric hypercalcemia (FHH). Also called: Familial benign hypercalcemia. Identifiers: Orphanet 405, MedGen C1809471, MONDO:0018458.
Nephrolithiasis/nephrocalcinosis. Identifiers: MedGen CN580796.

Submissions (2):

Labcorp Genetics (formerly Invitae), Labcorp
Classification: Uncertain significance for Familial hypocalciuric hypercalcemia; Autosomal dominant hypocalcemia 1. Last evaluated: 2023-04-26. Review status: criteria provided, single submitter. Criteria: Invitae Variant Classification Sherloc (09022015). Collection method: clinical testing. Allele origin: germline.
Comment: This variant has not been reported in the literature in individuals affected with CASR-related conditions. In summary, the available evidence is currently insufficient to determine the role of this variant in disease. Therefore, it has been classified as a Variant of Uncertain Significance. An algorithm developed to predict the effect of missense changes on protein structure and function (PolyPhen-2) suggests that this variant is likely to be tolerated. ClinVar contains an entry for this variant (Variation ID: 1779144). This variant is not present in population databases (gnomAD no frequency). This sequence change replaces serine, which is neutral and polar, with asparagine, which is neutral and polar, at codon 580 of the CASR protein (p.Ser580Asn).

Ambry Genetics
Classification: Uncertain significance for Nephrolithiasis/nephrocalcinosis. Last evaluated: 2022-06-04. Review status: criteria provided, single submitter. Criteria: Ambry Variant Classification Scheme 2023. Collection method: clinical testing. Allele origin: germline.
Comment: The p.S580N variant (also known as c.1739G>A), located in coding exon 6 of the CASR gene, results from a G to A substitution at nucleotide position 1739. The serine at codon 580 is replaced by asparagine, an amino acid with highly similar properties. This amino acid position is conserved. In addition, the in silico prediction for this alteration is inconclusive. Since supporting evidence is limited at this time, the clinical significance of this alteration remains unclear.

NM_000388.4(CASR):c.1739G>A (p.Ser580Asn)

Gene: CASR (calcium sensing receptor; plus strand). Cytogenetic location: 3q21.1.
Variant type: single nucleotide variant.
Coding change: c.1739G>A on transcript NM_000388.4 (MANE Select); coding-DNA position 1739, G replaced by A.
Protein change: p.Ser580Asn; replaces serine 580 with asparagine.
Molecular consequence: missense variant.
Genome position (GRCh38, 1-based): chr3:122,283,693, G>A. VCF-style: chr3-122283693-G-A. GRCh37 (hg19) VCF-style: chr3-122002540-G-A.
Other names: c.1769G>A, p.Ser590Asn (NM_001178065.2); short protein forms S580N, S590N.
Identifiers: ClinVar variation 1779144 (VCV001779144.5), dbSNP rs2473275995, ClinGen allele CA354157087.